The following is an entry in ClinVar:

ClinVar aggregate classification (germline): Uncertain significance (1 of 4 stars; one submission).

Conditions:
Congenital myasthenic syndrome 8. Also called: Myasthenic syndrome, congenital, 8, with pre- and postsynaptic defects; MYASTHENIC SYNDROME, CONGENITAL, DUE TO AGRIN DEFICIENCY. Identifiers: Orphanet 590, MedGen C3808739, MONDO:0014052, OMIM 615120.

Allele frequency attached by ClinVar (database versions not stated): gnomAD exomes below 0.00001; TOPMed 0.00001.
gnomAD v4.1: 1 of 1,572,534 alleles (0.000064%); highest among the groups gnomAD compares: Non-Finnish European, 0.000086%; no homozygotes.

Submission:

Labcorp Genetics (formerly Invitae), Labcorp
Classification: Uncertain significance for Congenital myasthenic syndrome 8. Last evaluated: 2018-03-13. Review status: criteria provided, single submitter. Criteria: Invitae Variant Classification Sherloc (09022015). Collection method: clinical testing. Allele origin: germline.
Comment: This variant is not present in population databases (ExAC no frequency). This sequence change replaces proline with serine at codon 1769 of the AGRN protein (p.Pro1769Ser). The proline residue is highly conserved and there is a moderate physicochemical difference between proline and serine. This variant has not been reported in the literature in individuals with AGRN-related disease. Algorithms developed to predict the effect of missense changes on protein structure and function do not agree on the potential impact of this missense change (SIFT: "Deleterious"; PolyPhen-2: "Possibly Damaging"; Align-GVGD: "Class C0"). In summary, the available evidence is currently insufficient to determine the role of this variant in disease. Therefore, it has been classified as a Variant of Uncertain Significance.

NM_198576.4(AGRN):c.5305C>T (p.Pro1769Ser)

Gene: AGRN (agrin; plus strand). Cytogenetic location: 1p36.33.
Variant type: single nucleotide variant.
Coding change: c.5305C>T on transcript NM_198576.4 (MANE Select); coding-DNA position 5305, C replaced by T.
Protein change: p.Pro1769Ser; replaces proline 1769 with serine.
Molecular consequence: missense variant.
Genome position (GRCh38, 1-based): chr1:1,051,304, C>T. VCF-style: chr1-1051304-C-T. GRCh37 (hg19) VCF-style: chr1-986684-C-T.
Other names: c.5317C>T, p.Pro1773Ser (NM_001305275.2); c.5002C>T, p.Pro1668Ser (NM_001364727.2); short protein forms P1769S, P1773S, P1668S.
Identifiers: ClinVar variation 565481 (VCV000565481.8), dbSNP rs1446898012, ClinGen allele CA337781273.
Genomic context (GRCh38, chr1:1,051,304, plus strand): 5'-TCCCCGCAGGTTCCGCACACCGTCCTCAACCTGAAGGAGCCGCTCTACGTAGGGGGCGCT[C>T]CCGACTTCAGCAAGCTGGCCCGTGCTGCTGCCGTGTCCTCTGGCTTCGACGGTGCCATCC-3'
Protein context (NP_940978.2, residues 1759-1779): LKEPLYVGGA[Pro1769Ser]DFSKLARAAA